The following is an entry in ClinVar:

NM_001365536.1(SCN9A):c.3082G>A (p.Glu1028Lys)

Genes: SCN9A (sodium voltage-gated channel alpha subunit 9; minus strand), SCN1A-AS1 (SCN1A and SCN9A antisense RNA 1; plus strand). Cytogenetic location: 2q24.3.
Variant type: single nucleotide variant.
Coding change: c.3082G>A on transcript NM_001365536.1 (MANE Select); coding-DNA position 3082, G replaced by A.
Protein change: p.Glu1028Lys; replaces glutamic acid 1028 with lysine.
Molecular consequence: missense variant.
Genome position (GRCh38, 1-based): chr2:166,272,668, C>T on the plus strand (G>A on the coding strand, the complement: SCN9A is on the minus strand). VCF-style: chr2-166272668-C-T. GRCh37 (hg19) VCF-style: chr2-167129178-C-T.
Other names: c.3049G>A, p.Glu1017Lys (NM_002977.4); short protein forms E1028K, E1017K.
Identifiers: ClinVar variation 2094773 (VCV002094773.4), dbSNP rs1332484633, ClinGen allele CA349073986.

ClinVar aggregate classification (germline): Uncertain significance (1 of 4 stars; one submission).

Conditions:
Generalized epilepsy with febrile seizures plus, type 7 (GEFSP7). Also called: GEFS+, TYPE 7. Identifiers: Orphanet 36387, MedGen C2751778, MONDO:0013470, OMIM 613863.
Neuropathy, hereditary sensory and autonomic, type 2A (HSAN2A). Also called: ACROOSTEOLYSIS, GIACCAI TYPE; ACROOSTEOLYSIS, NEUROGENIC; HSAN IIA; MORVAN DISEASE; NEUROPATHY, CONGENITAL SENSORY; NEUROPATHY, HEREDITARY SENSORY RADICULAR, AUTOSOMAL RECESSIVE. Identifiers: Orphanet 970, MedGen C2752089, MONDO:0024309, OMIM 201300.

Submission:

Labcorp Genetics (formerly Invitae), Labcorp
Classification: Uncertain significance for Neuropathy, hereditary sensory and autonomic, type 2A; Generalized epilepsy with febrile seizures plus, type 7. Last evaluated: 2024-08-06. Review status: criteria provided, single submitter. Criteria: Invitae Variant Classification Sherloc (09022015). Collection method: clinical testing. Allele origin: germline.
Comment: This sequence change replaces glutamic acid, which is acidic and polar, with lysine, which is basic and polar, at codon 1017 of the SCN9A protein (p.Glu1017Lys). This variant is not present in population databases (gnomAD no frequency). This variant has not been reported in the literature in individuals affected with SCN9A-related conditions. ClinVar contains an entry for this variant (Variation ID: 2094773). Advanced modeling of protein sequence and biophysical properties (such as structural, functional, and spatial information, amino acid conservation, physicochemical variation, residue mobility, and thermodynamic stability) performed at Invitae indicates that this missense variant is not expected to disrupt SCN9A protein function with a negative predictive value of 95%. In summary, the available evidence is currently insufficient to determine the role of this variant in disease. Therefore, it has been classified as a Variant of Uncertain Significance.